The following is an entry in ClinVar:

ClinVar aggregate classification (germline): Uncertain significance (1 of 4 stars; one submission).

Conditions:
Anauxetic dysplasia. Identifiers: Orphanet 93347, MedGen C1846796, MONDO:0011773.

gnomAD v4.1: 36 of 700,118 alleles (0.0051%); highest among the groups gnomAD compares: Admixed American, 0.008%; no homozygotes.

Submission:

Labcorp Genetics (formerly Invitae), Labcorp
Classification: Uncertain significance for Anauxetic dysplasia. Last evaluated: 2022-07-19. Review status: criteria provided, single submitter. Criteria: Invitae Variant Classification Sherloc (09022015). Collection method: clinical testing. Allele origin: germline.
Comment: This variant occurs in the RMRP gene, which encodes an RNA molecule that does not result in a protein product. This variant is present in population databases (no rsID available, gnomAD 0.009%). This variant has not been reported in the literature in individuals affected with RMRP-related conditions. In summary, the available evidence is currently insufficient to determine the role of this variant in disease. Therefore, it has been classified as a Variant of Uncertain Significance.

NC_000009.12:g.35657977T>C

Gene: RMRP (RNA component of mitochondrial RNA processing endoribonuclease; minus strand). Cytogenetic location: 9p13.3.
Variant type: single nucleotide variant.
Genome position: GRCh38 VCF-style: chr9-35657977-T-C. GRCh37 (hg19) VCF-style: chr9-35657974-T-C.
Identifiers: ClinVar variation 2141224 (VCV002141224.1), dbSNP rs928731584, ClinGen allele CA464450982.
Genomic context (GRCh38, chr9:35,657,977, plus strand): 5'-GTGGCACTCTCTGCCCGAGGTCCGGGGACTTTCCCCTAGGCGGAAAGGGGAGGAACAGAG[T>C]CCTCAGTGTGTAGCCTAGGATACAGGCCTTCAGCACGAACCACGTCCTCAGCTTCACAGA-3'